The following is an entry in ClinVar:

ClinVar aggregate classification (germline): Uncertain significance (1 of 4 stars; one submission).

gnomAD v4.1: 1 of 1,613,672 alleles (0.000062%); highest among the groups gnomAD compares: Non-Finnish European, 0.000085%; no homozygotes.

Submission:

Ambry Genetics
Classification: Uncertain significance. Last evaluated: 2026-05-24. Review status: criteria provided, single submitter. Criteria: Ambry Variant Classification Scheme 2023. Collection method: clinical testing. Allele origin: germline.
Comment: The p.D687N variant (also known as c.2059G>A), located in coding exon 13 of the GEN1 gene, results from a G to A substitution at nucleotide position 2059. The aspartic acid at codon 687 is replaced by asparagine, an amino acid with highly similar properties. This amino acid position is conserved. In addition, this alteration is predicted to be tolerated by in silico analysis. Based on the available evidence, the clinical significance of this variant remains unclear.

NM_001130009.3(GEN1):c.2059G>A (p.Asp687Asn)

Gene: GEN1 (GEN1 structure-specific endonuclease; plus strand). Cytogenetic location: 2p24.2.
Variant type: single nucleotide variant.
Coding change: c.2059G>A on transcript NM_001130009.3 (MANE Select); coding-DNA position 2059, G replaced by A.
Protein change: p.Asp687Asn; replaces aspartic acid 687 with asparagine.
Molecular consequence: missense variant.
Genome position (GRCh38, 1-based): chr2:17,781,271, G>A. VCF-style: chr2-17781271-G-A. GRCh37 (hg19) VCF-style: chr2-17962538-G-A.
Other names: c.2059G>A, p.Asp687Asn (NM_182625.5); short protein forms D687N.
Identifiers: ClinVar variation 4857995 (VCV004857995.1).